The following is an entry in ClinVar:

NM_004525.3(LRP2):c.1043-3C>T

Gene: LRP2 (LDL receptor related protein 2; minus strand). Cytogenetic location: 2q31.1.
Variant type: single nucleotide variant.
Coding change: c.1043-3C>T on transcript NM_004525.3 (MANE Select); 3 bases into the intron before coding-DNA position 1043, C replaced by T.
Molecular consequence: intron variant.
Genome position (GRCh38, 1-based): chr2:169,283,004, G>A on the plus strand (C>T on the coding strand, the complement: LRP2 is on the minus strand). VCF-style: chr2-169283004-G-A. GRCh37 (hg19) VCF-style: chr2-170139514-G-A.
Identifiers: ClinVar variation 1939566 (VCV001939566.6), dbSNP rs376109731, ClinGen allele CA59932932.

ClinVar aggregate classification (germline): Uncertain significance. Review status: criteria provided, multiple submitters, no conflicts (2 of 4 stars). 2 submissions from 2 submitters: Uncertain significance (2). Last evaluated 2025-04-29.

Conditions:
Donnai-Barrow syndrome. Also called: DBS/FOAR SYNDROME; FACIOOCULOACOUSTICORENAL SYNDROME. Identifiers: Orphanet 2143, MedGen C1857277, MONDO:0009104, OMIM 222448.

Allele frequency attached by ClinVar (database versions not stated): gnomAD exomes below 0.00001; gnomAD 0.00001; TOPMed 0.00001; ESP Exome Variant Server 0.00008.
gnomAD v4.1: 4 of 1,613,698 alleles (0.00025%); highest among the groups gnomAD compares: African/African-American, 0.0053%; no homozygotes.

Submissions (2):

Labcorp Genetics (formerly Invitae), Labcorp
Classification: Uncertain significance. Last evaluated: 2025-04-29. Review status: criteria provided, single submitter. Criteria: Invitae Variant Classification Sherloc (09022015). Collection method: clinical testing. Allele origin: germline.
Comment: This sequence change falls in intron 9 of the LRP2 gene. It does not directly change the encoded amino acid sequence of the LRP2 protein. It affects a nucleotide within the consensus splice site. This variant is present in population databases (rs376109731, gnomAD 0.01%). This variant has not been reported in the literature in individuals affected with LRP2-related conditions. ClinVar contains an entry for this variant (Variation ID: 1939566). Variants that disrupt the consensus splice site are a relatively common cause of aberrant splicing (PMID: 17576681, 9536098). Algorithms developed to predict the effect of sequence changes on RNA splicing suggest that this variant is not likely to affect RNA splicing. In summary, the available evidence is currently insufficient to determine the role of this variant in disease. Therefore, it has been classified as a Variant of Uncertain Significance.

Fulgent Genetics
Classification: Uncertain significance for Donnai-Barrow syndrome. Last evaluated: 2024-03-13. Review status: criteria provided, single submitter. Criteria: ACMG Guidelines, 2015. Collection method: clinical testing. Allele origin: germline.

Literature cited by the submitters: PubMed 17576681 (cited by Labcorp Genetics (formerly Invitae), Labcorp); PubMed 9536098 (cited by Labcorp Genetics (formerly Invitae), Labcorp).